The following is an entry in ClinVar:

ClinVar aggregate classification (germline): Uncertain significance (1 of 4 stars; one submission).

Submission:

Labcorp Genetics (formerly Invitae), Labcorp
Classification: Uncertain significance. Last evaluated: 2025-11-19. Review status: criteria provided, single submitter. Criteria: Invitae Variant Classification Sherloc (09022015). Collection method: clinical testing. Allele origin: germline.
Comment: This sequence change replaces arginine, which is basic and polar, with cysteine, which is neutral and slightly polar, at codon 334 of the SMS protein (p.Arg334Cys). This variant is present in population databases (rs140572405, gnomAD 0.003%). This variant has not been reported in the literature in individuals affected with SMS-related conditions. Invitae Evidence Modeling of protein sequence and biophysical properties (such as structural, functional, and spatial information, amino acid conservation, physicochemical variation, residue mobility, and thermodynamic stability) indicates that this missense variant is not expected to disrupt SMS protein function with a negative predictive value of 80%. In summary, the available evidence is currently insufficient to determine the role of this variant in disease. Therefore, it has been classified as a Variant of Uncertain Significance.

NM_004595.5(SMS):c.1000C>T (p.Arg334Cys)

Gene: SMS (spermine synthase; plus strand). Cytogenetic location: Xp22.11.
Variant type: single nucleotide variant.
Coding change: c.1000C>T on transcript NM_004595.5 (MANE Select); coding-DNA position 1000, C replaced by T.
Protein change: p.Arg334Cys; replaces arginine 334 with cysteine.
Molecular consequence: missense variant.
Genome position (GRCh38, 1-based): chrX:21,992,651, C>T. VCF-style: chrX-21992651-C-T. GRCh37 (hg19) VCF-style: chrX-22010769-C-T.
Other names: c.841C>T, p.Arg281Cys (NM_001258423.2); short protein forms R334C, R281C.
Identifiers: ClinVar variation 4701597 (VCV004701597.1).